The following is an entry in ClinVar:

ClinVar aggregate classification (germline): Conflicting classifications of pathogenicity. Review status: criteria provided, conflicting classifications (1 of 4 stars). 2 submissions from 2 submitters: Likely risk allele (1); Uncertain significance (1). Last evaluated 2017-07-19.

Conditions:
Maturity-onset diabetes of the young (MODY). Also called: Maturity onset diabetes mellitus in young. Identifiers: Orphanet 552, MedGen C0342276, MONDO:0018911, HP:0004904.

Submissions (2):

Eurofins Ntd Llc (ga)
Classification: Uncertain significance. Last evaluated: 2017-07-19. Review status: criteria provided, single submitter. Criteria: EGL Classification Definitions 2015. Collection method: clinical testing. Allele origin: germline. Observed: 1 variant allele, 1 heterozygote.

Clinical Genomics, Uppaluri K&H Personalized Medicine Clinic
Classification: Likely risk allele for Maturity-onset diabetes of the young. Review status: criteria provided, single submitter. Criteria: K & H Uppaluri Personalized Medicine Clinic Variant Classification & Assertion Criteria_Updated V.1. Collection method: research. Allele origin: unknown. Inheritance: Autosomal dominant inheritance.
Comment: HNF1B gene mutations are associated with early onset diabetes and pancreatic atrophy. It is also associated with multiple renal manifestations including renal cysts, Tubulointerstitial disease, glomerulocystic disease, renal hypoplasia, hypomagnesemia. However no sufficient evidence is found to ascertain the role of this particular variant rs1568641291, yet.

Literature cited by the submitters: PubMed 24897035 (cited by Clinical Genomics, Uppaluri K&H Personalized Medicine Clinic); PubMed 25536396 (cited by Clinical Genomics, Uppaluri K&H Personalized Medicine Clinic); PubMed 27615128 (cited by Clinical Genomics, Uppaluri K&H Personalized Medicine Clinic); PubMed 28215227 (cited by Clinical Genomics, Uppaluri K&H Personalized Medicine Clinic); PubMed 33434175 (cited by Clinical Genomics, Uppaluri K&H Personalized Medicine Clinic); PubMed 25741167 (cited by Clinical Genomics, Uppaluri K&H Personalized Medicine Clinic); PubMed 26340261 (cited by Clinical Genomics, Uppaluri K&H Personalized Medicine Clinic); PubMed 19639018 (cited by Clinical Genomics, Uppaluri K&H Personalized Medicine Clinic).

NM_000458.4(HNF1B):c.1336C>G (p.Gln446Glu)

Gene: HNF1B (HNF1 homeobox B; minus strand). Cytogenetic location: 17q12.
Variant type: single nucleotide variant.
Coding change: c.1336C>G on transcript NM_000458.4 (MANE Select); coding-DNA position 1336, C replaced by G.
Protein change: p.Gln446Glu; replaces glutamine 446 with glutamic acid.
Molecular consequence: missense variant.
Genome position (GRCh38, 1-based): chr17:37,704,920, G>C on the plus strand (C>G on the coding strand, the complement: HNF1B is on the minus strand). VCF-style: chr17-37704920-G-C. GRCh37 (hg19) VCF-style: chr17-36064927-G-C.
Other names: c.1258C>G, p.Gln420Glu (NM_001165923.4, NM_001304286.2); short protein forms Q446E, Q420E.
Identifiers: ClinVar variation 593280 (VCV000593280.6), dbSNP rs1568641291, ClinGen allele CA398757069.
Genomic context (GRCh38, chr17:37,704,920, plus strand): 5'-TGCTTCCCATTCTTCTTCTCCCTGCCCCCAAGTTTTCCAACCAAGAATAGAACTTACTTT[G>C]TGCAATTGCCATGACTCCAGAGAGGGGTGTCATGATGAGGTTTTGAGATTGCTGGGGATT-3'
Protein context (NP_000449.1, residues 436-456): TPLSGVMAIA[Gln446Glu]SLNTSQAQSV